The following is an entry in ClinVar:

NM_002528.7(NTHL1):c.203del (p.Gly68fs)

Gene: NTHL1 (nth like DNA glycosylase 1; minus strand). Cytogenetic location: 16p13.3.
Variant type: Deletion.
Coding change: c.203del on transcript NM_002528.7 (MANE Select); coding-DNA position 203, one base deleted (G; older notation c.203delG).
Protein change: p.Gly68fs; shifts the reading frame from glycine 68.
Molecular consequence: frameshift variant. On other transcripts: splice donor variant (1).
Genome position (GRCh38, 1-based): chr16:2,046,279, C deleted on the plus strand (G on the coding strand, the reverse complement: NTHL1 is on the minus strand); the first of 2 consecutive C bases (chr16:2,046,279-2,046,280); deleting either gives the same sequence. VCF-style (leftmost placement, unchanged base first): chr16-2046278-AC-A. GRCh37 (hg19) VCF-style: chr16-2096279-AC-A.
Other names: c.203del, p.Gly68fs (NM_001318193.2); c.24+1del (NM_001318194.2); short protein forms G68fs.
Identifiers: ClinVar variation 545879 (VCV000545879.13), dbSNP rs1555492819, ClinGen allele CA658824856.

ClinVar aggregate classification (germline): Pathogenic/Likely pathogenic. Review status: criteria provided, multiple submitters, no conflicts (2 of 4 stars). 5 submissions from 5 submitters: Pathogenic (3); Likely pathogenic (2). Last evaluated 2025-04-30.

Conditions:
Familial adenomatous polyposis 3. Also called: NTHL1-associated polyposis; NTHL1-Related Adenomatous Polyposis and Colorectal Cancer; NTHL1-related attenuated familial adenomatous polyposis; NTHL1 Tumor Syndrome. Identifiers: Orphanet 220460, Orphanet 454840, MedGen C4225157, MONDO:0014630, OMIM 616415.
Hereditary cancer-predisposing syndrome. Also called: Hereditary Cancer Syndrome; Neoplastic Syndromes, Hereditary; Hereditary neoplastic syndrome; Tumor predisposition. Identifiers: Orphanet 140162, MedGen C0027672, MeSH D009386, MONDO:0015356.

Submissions (5):

Labcorp Genetics (formerly Invitae), Labcorp
Classification: Pathogenic. Last evaluated: 2025-04-30. Review status: criteria provided, single submitter. Criteria: Invitae Variant Classification Sherloc (09022015). Collection method: clinical testing. Allele origin: germline.
Comment: This sequence change creates a premature translational stop signal (p.Gly76Valfs*27) in the NTHL1 gene. It is expected to result in an absent or disrupted protein product. Loss-of-function variants in NTHL1 are known to be pathogenic (PMID: 25938944, 26559593). This variant is not present in population databases (gnomAD no frequency). This variant has not been reported in the literature in individuals affected with NTHL1-related conditions. ClinVar contains an entry for this variant (Variation ID: 545879). For these reasons, this variant has been classified as Pathogenic.

Ambry Genetics
Classification: Pathogenic for Hereditary cancer-predisposing syndrome. Last evaluated: 2023-10-31. Review status: criteria provided, single submitter. Criteria: Ambry Variant Classification Scheme 2023. Collection method: clinical testing. Allele origin: germline.
Comment: The c.227delG pathogenic mutation, located in coding exon 2 of the NTHL1 gene, results from a deletion of one nucleotide at nucleotide position 227, causing a translational frameshift with a predicted alternate stop codon (p.G76Vfs*27). This alteration is expected to result in loss of function by premature protein truncation or nonsense-mediated mRNA decay. As such, this alteration is interpreted as a disease-causing mutation.

Myriad Genetics, Inc.
Classification: Pathogenic for Familial adenomatous polyposis 3. Last evaluated: 2023-09-01. Review status: criteria provided, single submitter. Criteria: Myriad Autosomal Dominant, Autosomal Recessive and X-Linked Classification Criteria (2023). Collection method: clinical testing. Allele origin: unknown.
Comment: This variant is considered pathogenic. This variant creates a frameshift predicted to result in premature protein truncation.

Baylor Genetics
Classification: Likely pathogenic for Familial adenomatous polyposis 3. Last evaluated: 2023-06-26. Review status: criteria provided, single submitter. Criteria: ACMG Guidelines, 2015. Collection method: clinical testing. Allele origin: unknown.

GeneDx
Classification: Likely pathogenic. Last evaluated: 2018-02-21. Review status: criteria provided, single submitter. Criteria: GeneDx Variant Classification (06012015). Collection method: clinical testing. Allele origin: germline. Affected: yes.
Comment: This deletion of one nucleotide in NTHL1 is denoted c.227delG at the cDNA level and p.Gly76ValfsX27 (G76VfsX27) at the protein level. The normal sequence, with the base that is deleted in brackets, is AAAG[delG]TGAG. The deletion causes a frameshift which changes a Glycine to a Valine at codon 76, and creates a premature stop codon at position 27 of the new reading frame. Although this variant has not, to our knowledge, been reported in the literature, it is predicted to cause loss of normal protein function through either protein truncation or nonsense-mediated mRNA decay. Based on currently available evidence, we consider this deletion to be a likely pathogenic variant. Of note, NTHL1-Associated Polyposis (NAP) is a recessive condition associated with two pathogenic variants on opposite chromosomes in NTHL1.

Literature cited by the submitters: PubMed 25938944 (cited by Labcorp Genetics (formerly Invitae), Labcorp); PubMed 26559593 (cited by Labcorp Genetics (formerly Invitae), Labcorp).